The following is an entry in ClinVar:

NM_002878.4(RAD51D):c.176C>G (p.Ala59Gly)

Genes: RAD51L3-RFFL (RAD51L3-RFFL readthrough; minus strand), RAD51D (RAD51 paralog D; minus strand). Cytogenetic location: 17q12.
Variant type: single nucleotide variant.
Coding change: c.176C>G on transcript NM_002878.4 (MANE Select); coding-DNA position 176, C replaced by G.
Protein change: p.Ala59Gly; replaces alanine 59 with glycine.
Molecular consequence: missense variant. On other transcripts: intron variant (2).
Genome position (GRCh38, 1-based): chr17:35,118,588, G>C on the plus strand (C>G on the coding strand, the complement: RAD51D is on the minus strand). VCF-style: chr17-35118588-G-C. GRCh37 (hg19) VCF-style: chr17-33445607-G-C.
Other names: c.144+523C>G (NM_133629.3, NM_001142571.2); short protein forms A59G.
Identifiers: ClinVar variation 2858158 (VCV002858158.4), dbSNP rs2509182226, ClinGen allele CA399091504.

ClinVar aggregate classification (germline): Uncertain significance. Review status: criteria provided, multiple submitters, no conflicts (2 of 4 stars). 2 submissions from 2 submitters: Uncertain significance (2). Last evaluated 2025-08-14.

Conditions:
Hereditary cancer-predisposing syndrome. Also called: Neoplastic Syndromes, Hereditary; Hereditary neoplastic syndrome; Tumor predisposition; Hereditary Cancer Syndrome. Identifiers: Orphanet 140162, MedGen C0027672, MeSH D009386, MONDO:0015356.
Breast-ovarian cancer, familial, susceptibility to, 4. Identifiers: Orphanet 145, MedGen C3280345, MONDO:0013669, OMIM 614291.

Submissions (2):

Ambry Genetics
Classification: Uncertain significance for Hereditary cancer-predisposing syndrome. Last evaluated: 2025-08-14. Review status: criteria provided, single submitter. Criteria: Ambry Variant Classification Scheme 2023. Collection method: clinical testing. Allele origin: germline.
Comment: The p.A59G variant (also known as c.176C>G), located in coding exon 3 of the RAD51D gene, results from a C to G substitution at nucleotide position 176. The alanine at codon 59 is replaced by glycine, an amino acid with similar properties. This amino acid position is conserved. In addition, this alteration is predicted to be tolerated by in silico analysis. Based on the available evidence, the clinical significance of this variant remains unclear.

Labcorp Genetics (formerly Invitae), Labcorp
Classification: Uncertain significance for Breast-ovarian cancer, familial, susceptibility to, 4. Last evaluated: 2023-04-22. Review status: criteria provided, single submitter. Criteria: Invitae Variant Classification Sherloc (09022015). Collection method: clinical testing. Allele origin: germline.
Comment: This sequence change replaces alanine, which is neutral and non-polar, with glycine, which is neutral and non-polar, at codon 59 of the RAD51D protein (p.Ala59Gly). In summary, the available evidence is currently insufficient to determine the role of this variant in disease. Therefore, it has been classified as a Variant of Uncertain Significance. Advanced modeling of protein sequence and biophysical properties (such as structural, functional, and spatial information, amino acid conservation, physicochemical variation, residue mobility, and thermodynamic stability) performed at Invitae indicates that this missense variant is not expected to disrupt RAD51D protein function. This variant has not been reported in the literature in individuals affected with RAD51D-related conditions. This variant is not present in population databases (gnomAD no frequency).